The following is an entry in ClinVar:

ClinVar aggregate classification (germline): Benign/Likely benign. Review status: criteria provided, multiple submitters, no conflicts (2 of 4 stars). 3 submissions from 3 submitters: Benign (2); Likely benign (1). Last evaluated 2026-01-01.

Allele frequency attached by ClinVar (database versions not stated): 1000 Genomes Project 30x 0.00141; 1000 Genomes Project 0.00160; ESP Exome Variant Server 0.00252; TOPMed 0.00311; gnomAD 0.00419 and 0.00434; gnomAD exomes 0.00439 and 0.00455; ExAC 0.00976.
gnomAD v4.1: 7,108 of 1,584,834 alleles (0.45%); highest among the groups gnomAD compares: Non-Finnish European, 0.48%; 27 homozygotes.

Submissions (3):

CeGaT Center for Human Genetics Tuebingen
Classification: Likely benign. Last evaluated: 2026-01-01. Review status: criteria provided, single submitter. Criteria: CeGaT Center For Human Genetics Tuebingen Variant Classification Criteria Version 2. Collection method: clinical testing. Allele origin: germline. Affected: yes. Observed: 3 variant alleles.
Comment: ESR1: BS2

GeneDx
Classification: Benign. Last evaluated: 2020-06-09. Review status: criteria provided, single submitter. Criteria: GeneDx Variant Classification Process June 2021. Collection method: clinical testing. Allele origin: germline. Affected: yes.

Labcorp Genetics (formerly Invitae), Labcorp
Classification: Benign. Last evaluated: 2019-12-31. Review status: criteria provided, single submitter. Criteria: Invitae Variant Classification Sherloc (09022015). Collection method: clinical testing. Allele origin: germline.

NM_000125.4(ESR1):c.352T>C (p.Ser118Pro)

Gene: ESR1 (estrogen receptor 1; plus strand). Cytogenetic location: 6q25.1.
Variant type: single nucleotide variant.
Coding change: c.352T>C on transcript NM_000125.4 (MANE Select); coding-DNA position 352, T replaced by C.
Protein change: p.Ser118Pro; replaces serine 118 with proline.
Molecular consequence: missense variant.
Genome position (GRCh38, 1-based): chr6:151,808,264, T>C. VCF-style: chr6-151808264-T-C. GRCh37 (hg19) VCF-style: chr6-152129399-T-C.
Other names: c.352T>C, p.Ser118Pro (NM_001122740.2, NM_001122741.2, NM_001122742.2 and 7 more transcripts); short protein forms S118P.
Identifiers: ClinVar variation 790988 (VCV000790988.28), dbSNP rs200075329, ClinGen allele CA4052151.